The following is an entry in ClinVar:

NM_001077365.2(POMT1):c.789G>C (p.Leu263Phe)

Gene: POMT1 (protein O-mannosyltransferase 1; plus strand). Cytogenetic location: 9q34.13.
Variant type: single nucleotide variant.
Coding change: c.789G>C on transcript NM_001077365.2 (MANE Select); coding-DNA position 789, G replaced by C.
Protein change: p.Leu263Phe; replaces leucine 263 with phenylalanine.
Molecular consequence: missense variant. On other transcripts: non-coding transcript variant (10).
Genome position (GRCh38, 1-based): chr9:131,510,349, G>C. VCF-style: chr9-131510349-G-C. GRCh37 (hg19) VCF-style: chr9-134385736-G-C.
Other names: c.627G>C, p.Leu209Phe (NM_001077366.2, NM_001353194.2, NM_001374693.1); c.789G>C, p.Leu263Phe (NM_001136113.2, NM_001374690.1); c.438G>C, p.Leu146Phe (NM_001136114.2, NM_001353195.2, NM_001374691.1 and 1 more transcripts); c.855G>C, p.Leu285Phe (NM_001353193.2, NM_007171.4); c.699G>C, p.Leu233Phe (NM_001353196.2); c.693G>C, p.Leu231Phe (NM_001353197.2, NM_001353198.2); c.504G>C, p.Leu168Phe (NM_001353199.2); c.333G>C, p.Leu111Phe (NM_001353200.2); and 2 more; short protein forms L285F, L111F, L168F, L209F, L146F, L233F, L231F, L263F.
Identifiers: ClinVar variation 288794 (VCV000288794.30), dbSNP rs201073763, ClinGen allele CA5293439.
Genomic context (GRCh38, chr9:131,510,349, plus strand): 5'-AGCAGTGGCTTTGCTGGTCATCCCGGTCGTCCTGTACTTACTGTTCTTCTACGTCCACTT[G>C]ATTCTAGTCTTCCGCTCTGGGCCCCACGACCAAATCATGTCCAGTGCCTTCCAGGCCAGC-3'
Protein context (NP_001070833.1, residues 253-273): VLYLLFFYVH[Leu263Phe]ILVFRSGPHD

ClinVar aggregate classification (germline): Uncertain significance. Review status: criteria provided, multiple submitters, no conflicts (2 of 4 stars). 14 submissions from 14 submitters: Uncertain significance (12). 2 of the submissions do not count toward it. Last evaluated 2025-08-21.

Conditions:
Walker-Warburg congenital muscular dystrophy. Also called: Muscular dystrophy-dystroglycanopathy, type A; Walker-Warburg syndrome. Identifiers: Orphanet 899, MedGen C0265221, MONDO:0000171.
Muscular dystrophy-dystroglycanopathy (congenital with impaired intellectual development), type B, 1. Also called: Muscular dystrophy-dystroglycanopathy (congenital with intellectual disability), type B1; MUSCULAR DYSTROPHY, CONGENITAL, POMT1-RELATED. Identifiers: MedGen C5436962, MONDO:0013159, OMIM 613155.
Autosomal recessive limb-girdle muscular dystrophy type 2K. Also called: MUSCULAR DYSTROPHY-DYSTROGLYCANOPATHY (LIMB-GIRDLE), TYPE C, 1; MUSCULAR DYSTROPHY, LIMB-GIRDLE, TYPE 2K. Identifiers: Orphanet 86812, MedGen C1836373, MONDO:0012248, OMIM 609308.
Muscular dystrophy-dystroglycanopathy (congenital with brain and eye anomalies), type A1 (MDDGA1). Also called: Muscular dystrophy-dystroglycanopathy (congenital with brain and eye anomalies), type A, 1; WALKER-WARBURG SYNDROME OR MUSCLE-EYE-BRAIN DISEASE, POMT1-RELATED; Hydrocephalus, agyria and retinal dysplasia; Hard +/- E syndrome; Warburg syndrome; Chemke syndrome. Identifiers: Orphanet 588, Orphanet 899, MedGen C4284790, MONDO:0009364, OMIM 236670.
Pyridoxine-dependent epilepsy (EPEO4). Also called: Pyridoxine-Dependent Epilepsy - ALDH7A1; EPILEPSY, EARLY-ONSET, 4, VITAMIN B6-DEPENDENT; Pyridoxine-Dependent Seizures; PYRIDOXINE DEPENDENCY WITH SEIZURES. Identifiers: Orphanet 3006, MedGen C1849508, MONDO:0009945, OMIM 266100. Disease mechanism: loss of function.

Allele frequency attached by ClinVar (database versions not stated): ExAC 0.00012; gnomAD 0.00021 and 0.00019; gnomAD exomes 0.00012 and 0.00024; ESP Exome Variant Server 0.00015; TOPMed 0.00017.
gnomAD v4.1: 375 of 1,614,070 alleles (0.023%); highest among the groups gnomAD compares: Non-Finnish European, 0.03%; no homozygotes.

Submissions (14):

Athena Diagnostics
Classification: Uncertain significance. Last evaluated: 2025-08-21. Review status: criteria provided, single submitter. Criteria: Athena Diagnostics Criteria. Collection method: clinical testing. Allele origin: unknown.
Comment: Available data are insufficient to determine the clinical significance of the variant at this time. The frequency of this variant in the general population is uninformative in assessment of its pathogenicity. Polyphen and MutationTaster yielded discordant predictions regarding whether this amino acid change is damaging to the protein.

Revvity Omics, Revvity
Classification: Uncertain significance. Last evaluated: 2025-01-22. Review status: criteria provided, single submitter. Criteria: ACMG Guidelines, 2015. Collection method: clinical testing. Allele origin: germline.

Blueprint Genetics
Classification: Uncertain significance. Last evaluated: 2024-11-21. Review status: criteria provided, single submitter. Criteria: ACMG Guidelines, 2015. Collection method: clinical testing. Allele origin: germline.

GeneDx
Classification: Uncertain significance. Last evaluated: 2024-09-10. Review status: criteria provided, single submitter. Criteria: GeneDx Variant Classification Process June 2021. Collection method: clinical testing. Allele origin: germline. Affected: yes.
Comment: Described as a non-pathogenic variant in a cohort of individuals with Walker-Warburg syndrome (PMID: 16575835); In silico analysis supports that this missense variant has a deleterious effect on protein structure/function; This variant is associated with the following publications: (PMID: 17878207, 30564623, 16575835)

Labcorp Genetics (formerly Invitae), Labcorp
Classification: Uncertain significance for Muscular dystrophy-dystroglycanopathy (congenital with impaired intellectual development), type B, 1; Walker-Warburg congenital muscular dystrophy; Autosomal recessive limb-girdle muscular dystrophy type 2K. Last evaluated: 2022-10-13. Review status: criteria provided, single submitter. Criteria: Invitae Variant Classification Sherloc (09022015). Collection method: clinical testing. Allele origin: germline.
Comment: This sequence change replaces leucine, which is neutral and non-polar, with phenylalanine, which is neutral and non-polar, at codon 285 of the POMT1 protein (p.Leu285Phe). This variant is present in population databases (rs201073763, gnomAD 0.02%). This missense change has been observed in individual(s) with Walker-Warburg syndrome. This publication describes this variant as a polymorphism (PMID: 16575835). ClinVar contains an entry for this variant (Variation ID: 288794). Advanced modeling of protein sequence and biophysical properties (such as structural, functional, and spatial information, amino acid conservation, physicochemical variation, residue mobility, and thermodynamic stability) performed at Invitae indicates that this missense variant is not expected to disrupt POMT1 protein function. In summary, the available evidence is currently insufficient to determine the role of this variant in disease. Therefore, it has been classified as a Variant of Uncertain Significance.

Department of Pathology and Laboratory Medicine, Sinai Health System
Classification: Uncertain significance for Muscular dystrophy-dystroglycanopathy (congenital with brain and eye anomalies), type A1; Autosomal recessive limb-girdle muscular dystrophy type 2K; Muscular dystrophy-dystroglycanopathy (congenital with impaired intellectual development), type B, 1. Last evaluated: 2022-08-03. Review status: criteria provided, single submitter. Criteria: ACMG Guidelines, 2015. Collection method: research. Allele origin: germline.

Mayo Clinic Laboratories, Mayo Clinic
Classification: Uncertain significance. Last evaluated: 2019-05-05. Review status: criteria provided, single submitter. Criteria: ACMG Guidelines, 2015. Collection method: clinical testing. Allele origin: germline. Observed: 1 variant allele.

Fulgent Genetics
Classification: Uncertain significance for Muscular dystrophy-dystroglycanopathy (congenital with brain and eye anomalies), type A1; Autosomal recessive limb-girdle muscular dystrophy type 2K; Muscular dystrophy-dystroglycanopathy (congenital with impaired intellectual development), type B, 1. Last evaluated: 2018-10-31. Review status: criteria provided, single submitter. Criteria: ACMG Guidelines, 2015. Collection method: clinical testing. Allele origin: unknown.

Illumina Laboratory Services, Illumina
Classification: Uncertain significance for Autosomal recessive limb-girdle muscular dystrophy type 2K. Last evaluated: 2018-01-13. Review status: criteria provided, single submitter. Criteria: ICSL Variant Classification Criteria 13 December 2019. Collection method: clinical testing. Allele origin: germline.

Eurofins Ntd Llc (ga)
Classification: Uncertain significance. Last evaluated: 2018-01-02. Review status: criteria provided, single submitter. Criteria: EGL Classification Definitions 2015. Collection method: clinical testing. Allele origin: germline. Observed: 4 variant alleles, 4 heterozygotes.

Clinical Molecular Genetics Laboratory, Johns Hopkins All Children's Hospital
Classification: Uncertain significance for Pyridoxine-dependent epilepsy. Last evaluated: 2017-05-19. Review status: criteria provided, single submitter. Criteria: ACMG Guidelines, 2015. Collection method: clinical testing. Allele origin: germline. Affected: yes.

Breakthrough Genomics
Classification: Uncertain significance. Review status: criteria provided, single submitter. Criteria: ACMG Guidelines, 2015. Collection method: not provided. Allele origin: germline. Inheritance: Autosomal recessive inheritance. Affected: yes.

Clinical Genetics DNA and cytogenetics Diagnostics Lab, Erasmus MC, Erasmus Medical Center
Classification: Uncertain significance. Review status: no assertion criteria provided. Collection method: clinical testing. Allele origin: germline. Affected: yes. Study: VKGL Data-share Consensus. Not counted in ClinVar's aggregate classification.

Joint Genome Diagnostic Labs from Nijmegen and Maastricht, Radboudumc and MUMC+
Classification: Uncertain significance. Review status: no assertion criteria provided. Collection method: clinical testing. Allele origin: germline. Affected: yes. Study: VKGL Data-share Consensus. Not counted in ClinVar's aggregate classification.

Literature cited by the submitters: PubMed 16575835 (cited by Athena Diagnostics and Labcorp Genetics (formerly Invitae), Labcorp); PubMed 17878207 (cited by Athena Diagnostics).